The following is an entry in ClinVar:

ClinVar aggregate classification (germline): Uncertain significance (1 of 4 stars; one submission).

Submission:

Ambry Genetics
Classification: Uncertain significance. Last evaluated: 2021-11-10. Review status: criteria provided, single submitter. Criteria: Ambry Variant Classification Scheme 2023. Collection method: clinical testing. Allele origin: germline.
Comment: The p.W1325G variant (also known as c.3973T>G), located in coding exon 4 of the ALPK2 gene, results from a T to G substitution at nucleotide position 3973. The tryptophan at codon 1325 is replaced by glycine, an amino acid with highly dissimilar properties. This amino acid position is conserved. In addition, this alteration is predicted to be tolerated by in silico analysis. Since supporting evidence is limited at this time, the clinical significance of this alteration remains unclear.

NM_052947.4(ALPK2):c.3973T>G (p.Trp1325Gly)

Genes: ALPK2 (alpha kinase 2; minus strand), LOC126862764 (BRD4-independent group 4 enhancer GRCh37_chr18:56202574-56203773; plus strand). Cytogenetic location: 18q21.31.
Variant type: single nucleotide variant.
Coding change: c.3973T>G on transcript NM_052947.4 (MANE Select); coding-DNA position 3973, T replaced by G.
Protein change: p.Trp1325Gly; replaces tryptophan 1325 with glycine.
Molecular consequence: missense variant.
Genome position (GRCh38, 1-based): chr18:58,536,214, A>C on the plus strand (T>G on the coding strand, the complement: ALPK2 is on the minus strand). VCF-style: chr18-58536214-A-C. GRCh37 (hg19) VCF-style: chr18-56203446-A-C.
Other names: short protein forms W1325G.
Identifiers: ClinVar variation 1736630 (VCV001736630.2), dbSNP rs563049567, ClinGen allele CA402564938.